The following is an entry in ClinVar:

ClinVar aggregate classification (germline): Benign. Review status: criteria provided, multiple submitters, no conflicts (2 of 4 stars). 11 submissions from 11 submitters: Benign (9). 2 of the submissions do not count toward it. Last evaluated 2026-02-01.

Conditions:
Microcephaly 2, primary, autosomal recessive, with or without cortical malformations. Also called: MICROCEPHALY 2, PRIMARY, AUTOSOMAL RECESSIVE, WITH CORTICAL MALFORMATIONS; WDR62 Primary Microcephaly. Identifiers: Orphanet 2512, MedGen C1858535, MONDO:0011435, OMIM 604317.

Allele frequency attached by ClinVar (database versions not stated): 1000 Genomes Project 30x 0.01983; 1000 Genomes Project 0.02037; ESP Exome Variant Server 0.03291; TOPMed 0.03453; gnomAD 0.03471 and 0.03516; gnomAD exomes 0.03802 and 0.04441; ExAC 0.03897.
gnomAD v4.1: 69,530 of 1,598,538 alleles (4.3%); highest among the groups gnomAD compares: Middle Eastern, 6.9%; 1,760 homozygotes.

Submissions (11):

Labcorp Genetics (formerly Invitae), Labcorp
Classification: Benign. Last evaluated: 2026-02-01. Review status: criteria provided, single submitter. Criteria: Invitae Variant Classification Sherloc (09022015). Collection method: clinical testing. Allele origin: germline.

Genome-Nilou Lab
Classification: Benign for Microcephaly 2, primary, autosomal recessive, with or without cortical malformations. Last evaluated: 2021-12-05. Review status: criteria provided, single submitter. Criteria: ACMG Guidelines, 2015. Collection method: clinical testing. Allele origin: germline. Affected: no.

Mayo Clinic Laboratories, Mayo Clinic
Classification: Benign. Last evaluated: 2018-08-07. Review status: criteria provided, single submitter. Criteria: ACMG Guidelines, 2015. Collection method: clinical testing. Allele origin: germline. Observed: 43 variant alleles.

Illumina Laboratory Services, Illumina
Classification: Benign for Microcephaly 2, primary, autosomal recessive, with or without cortical malformations. Last evaluated: 2018-01-13. Review status: criteria provided, single submitter. Criteria: ICSL Variant Classification Criteria 13 December 2019. Collection method: clinical testing. Allele origin: germline.
Comment: This variant was observed in the ICSL laboratory as part of a predisposition screen in an ostensibly healthy population. It had not been previously curated by ICSL or reported in the Human Gene Mutation Database (HGMD: prior to June 1st, 2018), and was therefore a candidate for classification through an automated scoring system. Utilizing variant allele frequency, disease prevalence and penetrance estimates, and inheritance mode, an automated score was calculated to assess if this variant is too frequent to cause the disease. Based on the score and internal cut-off values, a variant classified as benign is not then subjected to further curation. The score for this variant resulted in a classification of benign for this disease.

Athena Diagnostics
Classification: Benign for Microcephaly 2, primary, autosomal recessive, with or without cortical malformations. Last evaluated: 2017-06-05. Review status: criteria provided, single submitter. Criteria: Athena Diagnostics Criteria. Collection method: clinical testing. Allele origin: germline.

GeneDx
Classification: Benign. Last evaluated: 2015-03-03. Review status: criteria provided, single submitter. Criteria: GeneDx Variant Classification Process June 2021. Collection method: clinical testing. Allele origin: germline. Affected: yes.

Genetic Services Laboratory, University of Chicago
Classification: Benign. Last evaluated: 2013-02-08. Review status: criteria provided, single submitter. Criteria: ACMG Guidelines, 2007. Collection method: clinical testing. Allele origin: germline. Inheritance: Autosomal recessive inheritance.

Breakthrough Genomics
Classification: Benign. Review status: criteria provided, single submitter. Criteria: ACMG Guidelines, 2015. Collection method: not provided. Allele origin: germline. Inheritance: Autosomal recessive inheritance. Affected: yes.

PreventionGenetics, part of Exact Sciences
Classification: Benign. Review status: criteria provided, single submitter. Criteria: ACMG Guidelines, 2015. Collection method: clinical testing. Allele origin: germline.

Clinical Genetics DNA and cytogenetics Diagnostics Lab, Erasmus MC, Erasmus Medical Center
Classification: Benign. Review status: no assertion criteria provided. Collection method: clinical testing. Allele origin: germline. Affected: yes. Study: VKGL Data-share Consensus. Not counted in ClinVar's aggregate classification.

Joint Genome Diagnostic Labs from Nijmegen and Maastricht, Radboudumc and MUMC+
Classification: Benign. Review status: no assertion criteria provided. Collection method: clinical testing. Allele origin: germline. Affected: yes. Study: VKGL Data-share Consensus. Not counted in ClinVar's aggregate classification.

NM_001083961.2(WDR62):c.4123G>A (p.Gly1375Ser)

Gene: WDR62 (WD repeat domain 62; plus strand). Cytogenetic location: 19q13.12.
Variant type: single nucleotide variant.
Coding change: c.4123G>A on transcript NM_001083961.2 (MANE Select); coding-DNA position 4123, G replaced by A.
Protein change: p.Gly1375Ser; replaces glycine 1375 with serine.
Molecular consequence: missense variant.
Genome position (GRCh38, 1-based): chr19:36,103,951, G>A. VCF-style: chr19-36103951-G-A. GRCh37 (hg19) VCF-style: chr19-36594853-G-A.
Other names: c.4108G>A, p.Gly1370Ser (NM_173636.5); short protein forms G1375S, G1370S.
Identifiers: ClinVar variation 160298 (VCV000160298.26), dbSNP rs17851503, ClinGen allele CA173938.